The following is an entry in ClinVar:

ClinVar aggregate classification (germline): Uncertain significance (0 of 4 stars; one submission).

Conditions:
Prostate cancer. Also called: Malignant tumor of prostate. Identifiers: Orphanet 1331, MedGen C0376358, MONDO:0008315, HP:0012125.

Allele frequency attached by ClinVar (database versions not stated): gnomAD 0.00001; gnomAD exomes below 0.00001 and 0.00002; TOPMed below 0.00001; ExAC 0.00001.
gnomAD v4.1: 34 of 1,612,332 alleles (0.0021%); highest among the groups gnomAD compares: Non-Finnish European, 0.0027%; no homozygotes.

Submission:

Science for Life laboratory,  Karolinska Institutet
Classification: Uncertain significance for Malignant tumor of prostate. Review status: no assertion criteria provided. Collection method: not provided. Allele origin: somatic.
Comment: TumorID:SWE-13
ClinVar note: Converted during submission from Unknown to Uncertain significance.

NM_001007561.3(IRGQ):c.1795G>A (p.Gly599Ser)

Gene: IRGQ (immunity related GTPase Q; minus strand). Cytogenetic location: 19q13.31.
Variant type: single nucleotide variant.
Coding change: c.1795G>A on transcript NM_001007561.3 (MANE Select); coding-DNA position 1795, G replaced by A.
Protein change: p.Gly599Ser; replaces glycine 599 with serine.
Molecular consequence: missense variant.
Genome position (GRCh38, 1-based): chr19:43,592,103, C>T on the plus strand (G>A on the coding strand, the complement: IRGQ is on the minus strand). VCF-style: chr19-43592103-C-T. GRCh37 (hg19) VCF-style: chr19-44096255-C-T.
Other names: c.1795G>A, p.Gly599Ser (NM_001388309.1); short protein forms G599S.
Identifiers: ClinVar variation 161489 (VCV000161489.2), dbSNP rs193920821, ClinGen allele CA174126.
Genomic context (GRCh38, chr19:43,592,103, plus strand): 5'-GGGGTGCCAGCACAGCCTCAGCATCAGCCCGCATCTCATCGAGAGCCTGCAGCAGGACGC[C>T]GTGAGCCGCTCGGTAGCCCAGGCCACCTGTCGCCGCTGCACCACCCGCAGGCCACAGGAA-3'
Protein context (NP_001007562.1, residues 589-609): TGGLGYRAAH[Gly599Ser]VLLQALDEMR